The following is an entry in ClinVar:

NM_001201543.2(FAM161A):c.1907G>A (p.Gly636Glu)

Gene: FAM161A (FAM161 centrosomal protein A; minus strand). Cytogenetic location: 2p15.
Variant type: single nucleotide variant.
Coding change: c.1907G>A on transcript NM_001201543.2 (MANE Select); coding-DNA position 1907, G replaced by A.
Protein change: p.Gly636Glu; replaces glycine 636 with glutamic acid.
Molecular consequence: missense variant. On other transcripts: non-coding transcript variant (1).
Genome position (GRCh38, 1-based): chr2:61,827,203, C>T on the plus strand (G>A on the coding strand, the complement: FAM161A is on the minus strand). VCF-style: chr2-61827203-C-T. GRCh37 (hg19) VCF-style: chr2-62054338-C-T.
Other names: c.1739G>A, p.Gly580Glu (NM_032180.3); short protein forms G580E, G636E.
Identifiers: ClinVar variation 1044948 (VCV001044948.5), dbSNP rs188276373, ClinGen allele CA1678992.

ClinVar aggregate classification (germline): Uncertain significance. Review status: criteria provided, single submitter (1 of 4 stars). 2 submissions from 2 submitters: Uncertain significance (1). 1 of the submissions does not count toward it. Last evaluated 2022-08-09.

Conditions:
Retinitis pigmentosa 28 (RP28). Identifiers: Orphanet 791, MedGen C1419614, MONDO:0011630, OMIM 606068.

Allele frequency attached by ClinVar (database versions not stated): ExAC 0.00001; gnomAD 0.00001 and 0.00002; gnomAD exomes 0.00001; TOPMed 0.00001; 1000 Genomes Project 0.00040; 1000 Genomes Project 30x 0.00047.
gnomAD v4.1: 19 of 1,613,880 alleles (0.0012%); highest among the groups gnomAD compares: Admixed American, 0.025%; no homozygotes.

Submissions (2):

Labcorp Genetics (formerly Invitae), Labcorp
Classification: Uncertain significance. Last evaluated: 2022-08-09. Review status: criteria provided, single submitter. Criteria: Invitae Variant Classification Sherloc (09022015). Collection method: clinical testing. Allele origin: germline.
Comment: This sequence change replaces glycine, which is neutral and non-polar, with glutamic acid, which is acidic and polar, at codon 636 of the FAM161A protein (p.Gly636Glu). This variant is present in population databases (rs188276373, gnomAD 0.003%). This variant has not been reported in the literature in individuals affected with FAM161A-related conditions. ClinVar contains an entry for this variant (Variation ID: 1044948). Algorithms developed to predict the effect of missense changes on protein structure and function are either unavailable or do not agree on the potential impact of this missense change (SIFT: "Deleterious"; PolyPhen-2: "Probably Damaging"; Align-GVGD: "Class C0"). In summary, the available evidence is currently insufficient to determine the role of this variant in disease. Therefore, it has been classified as a Variant of Uncertain Significance.

Natera, Inc.
Classification: Uncertain significance for Retinitis pigmentosa type 28. Last evaluated: 2020-03-04. Review status: no assertion criteria provided. Collection method: clinical testing. Allele origin: germline. Not counted in ClinVar's aggregate classification.